The following is an entry in ClinVar:

NM_002472.3(MYH8):c.-30-104G>C

Genes: MYH8 (myosin heavy chain 8; minus strand), MYHAS (myosin heavy chain gene cluster antisense RNA; plus strand). Cytogenetic location: 17p13.1.
Variant type: single nucleotide variant.
Coding change: c.-30-104G>C on transcript NM_002472.3 (MANE Select); 104 bases into the intron before 30 bases upstream of the start codon, G replaced by C.
Molecular consequence: intron variant.
Genome position (GRCh38, 1-based): chr17:10,420,361, C>G on the plus strand (G>C on the coding strand, the complement: MYH8 is on the minus strand). VCF-style: chr17-10420361-C-G. GRCh37 (hg19) VCF-style: chr17-10323678-C-G.
Identifiers: ClinVar variation 1683865 (VCV001683865.2), dbSNP rs79815072, ClinGen allele CA287742303.

ClinVar aggregate classification (germline): Likely benign (1 of 4 stars; one submission).

Allele frequency attached by ClinVar (database versions not stated): gnomAD exomes 0.00060; 1000 Genomes Project 0.00679; gnomAD 0.00680 and 0.00726; TOPMed 0.00725; 1000 Genomes Project 30x 0.00750.

Submission:

GeneDx
Classification: Likely benign. Last evaluated: 2021-06-18. Review status: criteria provided, single submitter. Criteria: GeneDx Variant Classification Process June 2021. Collection method: clinical testing. Allele origin: germline. Affected: yes.
Comment: See Variant Classification Assertion Criteria.